The following is an entry in ClinVar:

NM_000540.3(RYR1):c.8541+1del

Genes: RYR1 (ryanodine receptor 1; plus strand), LOC126862902 (BRD4-independent group 4 enhancer GRCh37_chr19:38995830-38997029; plus strand). Cytogenetic location: 19q13.2.
Variant type: Deletion.
Coding change: c.8541+1del on transcript NM_000540.3 (MANE Select); the canonical splice donor site of the intron after coding-DNA position 8541, one base deleted (G; older notation c.8541+1delG).
Molecular consequence: splice donor variant.
Genome position (GRCh38, 1-based): chr19:38,505,947, G deleted; the last of 2 consecutive G bases (chr19:38,505,946-38,505,947); deleting either gives the same sequence. VCF-style (leftmost placement, unchanged base first): chr19-38505945-AG-A. GRCh37 (hg19) VCF-style: chr19-38996585-AG-A.
Other names: c.8541del (NM_000540.3); c.8541+1del (NM_001042723.2).
Identifiers: ClinVar variation 2065051 (VCV002065051.5), dbSNP rs2514362946, ClinGen allele CA2580097237.

ClinVar aggregate classification (germline): Likely pathogenic. Review status: criteria provided, multiple submitters, no conflicts (2 of 4 stars). 2 submissions from 2 submitters: Likely pathogenic (2). Last evaluated 2024-06-04.

Conditions:
RYR1-related disorder. Also called: RYR1-related condition; RYR1-related disorders. Identifiers: MedGen CN239331.
Malignant hyperthermia, susceptibility to, 1 (MHS1). Also called: RYR1-Related Malignant Hyperthermia Susceptibility; Malignant hyperthermia suceptibility 1; Anesthesia related hyperthermia; Malignant hyperpyrexia; Fulminating hyperpyrexia; Pharmacogenic myopathy. Identifiers: Orphanet 423, MedGen C2930980, MONDO:0007783, OMIM 145600.
King Denborough syndrome (KDS). Identifiers: MedGen C1840365, MONDO:0020485, OMIM 619542.
Central core myopathy (CMYO1A). Also called: CONGENITAL MYOPATHY 1A, AUTOSOMAL DOMINANT, WITH SUSCEPTIBILITY TO MALIGNANT HYPERTHERMIA; Central core disease; Myopathy, central fibrillar. Identifiers: Orphanet 597, MedGen C5830701, MONDO:0007294, OMIM 117000.
Congenital multicore myopathy with external ophthalmoplegia (CMYO1B). Also called: Congenital myopathy 1B, autosomal recessive; Minicore myopathy; Minicore myopathy with external ophthalmoplegia; MULTIMINICORE DISEASE WITH EXTERNAL OPHTHALMOPLEGIA; MULTICORE MYOPATHY. Identifiers: Orphanet 598, Orphanet 98905, MedGen C1850674, MONDO:0009712, OMIM 255320, HP:0003789.

Submissions (2):

Fulgent Genetics
Classification: Likely pathogenic for Central core myopathy; Malignant hyperthermia, susceptibility to, 1; Congenital multicore myopathy with external ophthalmoplegia; King Denborough syndrome. Last evaluated: 2024-06-04. Review status: criteria provided, single submitter. Criteria: ACMG Guidelines, 2015. Collection method: clinical testing. Allele origin: germline.

Labcorp Genetics (formerly Invitae), Labcorp
Classification: Likely pathogenic for RYR1-related disorder. Last evaluated: 2022-07-05. Review status: criteria provided, single submitter. Criteria: Invitae Variant Classification Sherloc (09022015). Collection method: clinical testing. Allele origin: germline.
Comment: In summary, the currently available evidence indicates that the variant is pathogenic, but additional data are needed to prove that conclusively. Therefore, this variant has been classified as Likely Pathogenic. Algorithms developed to predict the effect of sequence changes on RNA splicing suggest that this variant may disrupt the consensus splice site. Disruption of this splice site has been observed in individual(s) with congenital myopathy (Invitae). This variant is not present in population databases (gnomAD no frequency). This sequence change affects a splice site in intron 54 of the RYR1 gene. It is expected to disrupt RNA splicing. Variants that disrupt the donor or acceptor splice site typically lead to a loss of protein function (PMID: 16199547), and loss-of-function variants in RYR1 are known to be pathogenic (PMID: 20583297, 20839240, 23919265, 28818389).

Literature cited by the submitters: PubMed 16199547 (cited by Labcorp Genetics (formerly Invitae), Labcorp); PubMed 20583297 (cited by Labcorp Genetics (formerly Invitae), Labcorp); PubMed 20839240 (cited by Labcorp Genetics (formerly Invitae), Labcorp); PubMed 23919265 (cited by Labcorp Genetics (formerly Invitae), Labcorp); PubMed 28818389 (cited by Labcorp Genetics (formerly Invitae), Labcorp).